The following is an entry in ClinVar:

NM_020822.3(KCNT1):c.1200+12T>G

Gene: KCNT1 (potassium sodium-activated channel subfamily T member 1; plus strand). Cytogenetic location: 9q34.3.
Variant type: single nucleotide variant.
Coding change: c.1200+12T>G on transcript NM_020822.3 (MANE Select); 12 bases into the intron after coding-DNA position 1200, T replaced by G.
Molecular consequence: intron variant.
Genome position (GRCh38, 1-based): chr9:135,765,207, T>G. VCF-style: chr9-135765207-T-G. GRCh37 (hg19) VCF-style: chr9-138657053-T-G.
Other names: c.1065+12T>G (NM_001272003.2).
Identifiers: ClinVar variation 261361 (VCV000261361.22), dbSNP rs58604946, ClinGen allele CA5326796.

ClinVar aggregate classification (germline): Benign. Review status: criteria provided, multiple submitters, no conflicts (2 of 4 stars). 10 submissions from 9 submitters: Benign (7). 3 of the submissions do not count toward it. Last evaluated 2026-02-04.

Conditions:
Developmental and epileptic encephalopathy, 14 (DEE14). Also called: Early infantile epileptic encephalopathy 14. Identifiers: Orphanet 293181, MedGen C3554195, MONDO:0013989, OMIM 614959.
Autosomal dominant nocturnal frontal lobe epilepsy 5. Also called: CILIARY DYSKINESIA, PRIMARY, 28, WITHOUT SITUS INVERSUS; KCNT1-Related Epilepsy; CILIARY DYSKINESIA, PRIMARY, 28, WITH SITUS INVERSUS; Epilepsy, nocturnal frontal lobe, 5. Identifiers: Orphanet 98784, MedGen C3554306, MONDO:0014002, OMIM 615005.

Allele frequency attached by ClinVar (database versions not stated): 1000 Genomes Project 0.20787; 1000 Genomes Project 30x 0.21049; gnomAD exomes 0.21557 and 0.22970; ExAC 0.21758; gnomAD 0.22884 and 0.23256; TOPMed 0.23688; ESP Exome Variant Server 0.23958.
gnomAD v4.1: 368,413 of 1,603,724 alleles (23%); highest among the groups gnomAD compares: Middle Eastern, 32%; 44,104 homozygotes.

Submissions (10):

Labcorp Genetics (formerly Invitae), Labcorp
Classification: Benign for Autosomal dominant nocturnal frontal lobe epilepsy 5; Developmental and epileptic encephalopathy, 14. Last evaluated: 2026-02-04. Review status: criteria provided, single submitter. Criteria: Invitae Variant Classification Sherloc (09022015). Collection method: clinical testing. Allele origin: germline.

Unidad de Genómica Garrahan, Hospital de Pediatría Garrahan
Classification: Benign. Last evaluated: 2024-07-15. Review status: criteria provided, single submitter. Criteria: ACMG Guidelines, 2015. Collection method: clinical testing. Allele origin: germline. Affected: no. Observed: 47 variant alleles.
Comment: This variant is classified as Benign based on local population frequency. This variant was detected in 51% of patients studied in a panel designed for Epileptic and Developmental Encephalopathy and Progressive Myoclonus Epilepsy. Number of patients: 47. Only high quality variants are reported.

Genome-Nilou Lab
Classification: Benign for Developmental and epileptic encephalopathy, 14. Last evaluated: 2021-08-19. Review status: criteria provided, single submitter. Criteria: ACMG Guidelines, 2015. Collection method: clinical testing. Allele origin: germline. Affected: no.

Genome-Nilou Lab
Classification: Benign for Autosomal dominant nocturnal frontal lobe epilepsy 5. Last evaluated: 2021-08-19. Review status: criteria provided, single submitter. Criteria: ACMG Guidelines, 2015. Collection method: clinical testing. Allele origin: germline. Affected: no.

GeneDx
Classification: Benign. Last evaluated: 2015-12-30. Review status: criteria provided, single submitter. Criteria: GeneDx Variant Classification (06012015). Collection method: clinical testing. Allele origin: germline. Affected: yes.
Comment: This variant is considered likely benign or benign based on one or more of the following criteria: it is a conservative change, it occurs at a poorly conserved position in the protein, it is predicted to be benign by multiple in silico algorithms, and/or has population frequency not consistent with disease.

Breakthrough Genomics
Classification: Benign. Review status: criteria provided, single submitter. Criteria: ACMG Guidelines, 2015. Collection method: not provided. Allele origin: germline. Inheritance: Autosomal dominant inheritance. Affected: yes.

PreventionGenetics, part of Exact Sciences
Classification: Benign. Review status: criteria provided, single submitter. Criteria: ACMG Guidelines, 2015. Collection method: clinical testing. Allele origin: germline.

Clinical Genetics, Academic Medical Center
Classification: Benign. Review status: no assertion criteria provided. Collection method: clinical testing. Allele origin: germline. Affected: yes. Study: VKGL Data-share Consensus. Not counted in ClinVar's aggregate classification.

Diagnostic Laboratory, Department of Genetics, University Medical Center Groningen
Classification: Benign. Review status: no assertion criteria provided. Collection method: clinical testing. Allele origin: germline. Affected: yes. Study: VKGL Data-share Consensus. Not counted in ClinVar's aggregate classification.

Joint Genome Diagnostic Labs from Nijmegen and Maastricht, Radboudumc and MUMC+
Classification: Benign. Review status: no assertion criteria provided. Collection method: clinical testing. Allele origin: germline. Affected: yes. Study: VKGL Data-share Consensus. Not counted in ClinVar's aggregate classification.